The following is an entry in ClinVar:

NM_001007228.2(SPOP):c.612G>T (p.Leu204Phe)

Gene: SPOP (speckle type BTB/POZ protein; minus strand). Cytogenetic location: 17q21.33.
Variant type: single nucleotide variant.
Coding change: c.612G>T on transcript NM_001007228.2 (MANE Select); coding-DNA position 612, G replaced by T.
Protein change: p.Leu204Phe; replaces leucine 204 with phenylalanine.
Molecular consequence: missense variant.
Genome position (GRCh38, 1-based): chr17:49,611,326, C>A on the plus strand (G>T on the coding strand, the complement: SPOP is on the minus strand). VCF-style: chr17-49611326-C-A. GRCh37 (hg19) VCF-style: chr17-47688688-C-A.
Other names: c.612G>T, p.Leu204Phe (NM_001007226.1, NM_001007227.1, NM_001007229.1 and 5 more transcripts); short protein forms L204F.
Identifiers: ClinVar variation 3367743 (VCV003367743.1).

ClinVar aggregate classification (germline): Uncertain significance (1 of 4 stars; one submission).

Submission:

GeneDx
Classification: Uncertain significance. Last evaluated: 2024-01-08. Review status: criteria provided, single submitter. Criteria: GeneDx Variant Classification Process June 2021. Collection method: clinical testing. Allele origin: germline. Affected: yes.
Comment: Not observed at significant frequency in large population cohorts (gnomAD); In silico analysis supports that this missense variant does not alter protein structure/function; Has not been previously published as pathogenic or benign to our knowledge